The following is an entry in ClinVar:

NM_024675.4(PALB2):c.*6G>A

Gene: PALB2 (partner and localizer of BRCA2; minus strand). Cytogenetic location: 16p12.2.
Variant type: single nucleotide variant.
Coding change: c.*6G>A on transcript NM_024675.4 (MANE Select); 6 bases downstream of the stop codon, G replaced by A.
Molecular consequence: 3 prime UTR variant.
Genome position (GRCh38, 1-based): chr16:23,603,453, C>T on the plus strand (G>A on the coding strand, the complement: PALB2 is on the minus strand). VCF-style: chr16-23603453-C-T. GRCh37 (hg19) VCF-style: chr16-23614774-C-T.
Other names: c.*6G>A (NM_001407296.1, NM_001407297.1, NM_001407298.1 and 10 more transcripts); c.*202G>A (NM_001407301.1, NM_001407302.1, NM_001407310.1 and 2 more transcripts).
Identifiers: ClinVar variation 3903692 (VCV003903692.1).

ClinVar aggregate classification (germline): Benign (1 of 4 stars; one submission).

Conditions:
Familial cancer of breast. Also called: Hereditary breast cancer; hereditary breast carcinoma; BREAST CANCER, FAMILIAL. Identifiers: Orphanet 227535, MedGen C0346153, MONDO:0016419, OMIM 114480. Disease mechanism: loss of function.

gnomAD v4.1: 1 of 1,608,626 alleles (0.000062%); no homozygotes.

Submission:

Myriad Genetics, Inc.
Classification: Benign for Familial cancer of breast. Last evaluated: 2025-01-22. Review status: criteria provided, single submitter. Criteria: Myriad Autosomal Dominant, Autosomal Recessive and X-Linked Classification Criteria (2023). Collection method: clinical testing. Allele origin: unknown.
Comment: This variant is considered benign. This variant occurs in the non-coding 3' untranslated region of the gene, and is not expected to impact protein function.